The following is an entry in ClinVar:

ClinVar aggregate classification (germline): Pathogenic/Likely pathogenic. Review status: criteria provided, multiple submitters, no conflicts (2 of 4 stars). 4 submissions from 4 submitters: Pathogenic (2); Likely pathogenic (2). Last evaluated 2025-04-29.

Conditions:
EMC1-related disorder. Also called: EMC1-related condition.

Allele frequency attached by ClinVar (database versions not stated): gnomAD 0.00001; gnomAD exomes 0.00002; TOPMed 0.00002.

Submissions (4):

GeneDx
Classification: Pathogenic. Last evaluated: 2025-04-29. Review status: criteria provided, single submitter. Criteria: GeneDx Variant Classification Process June 2021. Collection method: clinical testing. Allele origin: germline. Affected: yes.
Comment: Nonsense variant predicted to result in protein truncation or nonsense mediated decay in a gene for which loss of function is a known mechanism of disease; Not observed at significant frequency in large population cohorts (gnomAD); Has not been previously published as pathogenic or benign to our knowledge; This variant is associated with the following publications: (PMID: 39858023)

PreventionGenetics, part of Exact Sciences
Classification: Likely pathogenic for EMC1-related condition. Last evaluated: 2024-12-19. Review status: criteria provided, single submitter. Criteria: ACMG Guidelines, 2015. Collection method: clinical testing. Allele origin: germline.
Comment: The EMC1 c.2059C>T variant is predicted to result in premature protein termination (p.Arg687*). To our knowledge, this variant has not been reported in the literature. This variant is reported in 0.0046% of alleles in individuals of European (Finnish) descent in gnomAD. Nonsense variants in EMC1 are expected to be pathogenic. This variant is interpreted as likely pathogenic.

Labcorp Genetics (formerly Invitae), Labcorp
Classification: Pathogenic. Last evaluated: 2024-03-01. Review status: criteria provided, single submitter. Criteria: Invitae Variant Classification Sherloc (09022015). Collection method: clinical testing. Allele origin: germline.
Comment: This sequence change creates a premature translational stop signal (p.Arg687*) in the EMC1 gene. It is expected to result in an absent or disrupted protein product. Loss-of-function variants in EMC1 are known to be pathogenic (PMID: 26572623, 26942288, 29271071). The frequency data for this variant in the population databases is considered unreliable, as metrics indicate poor data quality at this position in the gnomAD database. This variant has not been reported in the literature in individuals affected with EMC1-related conditions. ClinVar contains an entry for this variant (Variation ID: 620228). For these reasons, this variant has been classified as Pathogenic.

Blueprint Genetics
Classification: Likely pathogenic for EMC1-related disorders. Last evaluated: 2018-12-18. Review status: criteria provided, single submitter. Criteria: ACMG Guidelines, 2015. Collection method: clinical testing. Allele origin: germline. Affected: yes. Observed: 1 variant allele.

Literature cited by the submitters: PubMed 26572623 (cited by Labcorp Genetics (formerly Invitae), Labcorp); PubMed 26942288 (cited by Labcorp Genetics (formerly Invitae), Labcorp); PubMed 29271071 (cited by Labcorp Genetics (formerly Invitae), Labcorp).

NM_015047.3(EMC1):c.2059C>T (p.Arg687Ter)

Genes: EMC1 (ER membrane protein complex subunit 1; minus strand), EMC1-AS1 (EMC1 antisense RNA 1; plus strand). Cytogenetic location: 1p36.13.
Variant type: single nucleotide variant.
Coding change: c.2059C>T on transcript NM_015047.3 (MANE Select); coding-DNA position 2059, C replaced by T.
Protein change: p.Arg687Ter; replaces arginine 687 with a stop codon.
Molecular consequence: nonsense.
Genome position (GRCh38, 1-based): chr1:19,230,849, G>A on the plus strand (C>T on the coding strand, the complement: EMC1 is on the minus strand). VCF-style: chr1-19230849-G-A. GRCh37 (hg19) VCF-style: chr1-19557343-G-A.
Other names: c.2056C>T, p.Arg686Ter (NM_001271427.2, NM_001271428.2); c.1993C>T, p.Arg665Ter (NM_001271429.2); short protein forms R687*, R665*, R686*.
Identifiers: ClinVar variation 620228 (VCV000620228.13), dbSNP rs901905420, ClinGen allele CA18814772.